The following is an entry in ClinVar:

ClinVar aggregate classification (germline): Pathogenic (1 of 4 stars; one submission).

Conditions:
Hereditary cancer-predisposing syndrome. Also called: Tumor predisposition; Hereditary neoplastic syndrome; Neoplastic Syndromes, Hereditary; Hereditary Cancer Syndrome. Identifiers: Orphanet 140162, MedGen C0027672, MeSH D009386, MONDO:0015356.

Submission:

Ambry Genetics
Classification: Pathogenic for Hereditary cancer-predisposing syndrome. Last evaluated: 2025-04-01. Review status: criteria provided, single submitter. Criteria: Ambry Variant Classification Scheme 2023. Collection method: clinical testing. Allele origin: germline.
Comment: The c.4914delA pathogenic mutation, located in coding exon 10 of the BRCA2 gene, results from a deletion of one nucleotide at nucleotide position 4914, causing a translational frameshift with a predicted alternate stop codon (p.V1639Yfs*5). This variant is considered to be rare based on population cohorts in the Genome Aggregation Database (gnomAD). This alteration is expected to result in loss of function by premature protein truncation or nonsense-mediated mRNA decay. As such, this alteration is interpreted as a disease-causing mutation.

NM_000059.4(BRCA2):c.4914del (p.Val1639fs)

Gene: BRCA2 (BRCA2 DNA repair associated; plus strand). Cytogenetic location: 13q13.1.
Variant type: Deletion.
Coding change: c.4914del on transcript NM_000059.4 (MANE Select); coding-DNA position 4914, one base deleted (A; older notation c.4914delA).
Protein change: p.Val1639fs; shifts the reading frame from valine 1639.
Molecular consequence: frameshift variant. On other transcripts: non-coding transcript variant (1), intron variant (2).
Genome position (GRCh38, 1-based): chr13:32,339,269, A deleted; the last of 3 consecutive A bases (chr13:32,339,267-32,339,269); deleting any one gives the same sequence. VCF-style (leftmost placement, unchanged base first): chr13-32339266-TA-T. GRCh37 (hg19) VCF-style: chr13-32913403-TA-T.
Other names: c.4914del, p.Val1639fs (NM_001406719.1, NM_001406720.1, NM_001432077.1); c.1910-5289del (NM_001406721.1); c.425-5289del (NM_001406722.1); short protein forms V1639fs.
Identifiers: ClinVar variation 3992757 (VCV003992757.1).
Genomic context (GRCh38, chr13:32,339,266, plus strand): 5'-TGATAATTTATGTAGACAAACTGAAAATCTCAAAACATCAAAAAGTATCTTTTTGAAAGT[TA>T]AAGTACATGAAAATGTAGAAAAAGAAACAGCAAAAAGTCCTGCAACTTGTTACACAAATC-3'